The following is an entry in ClinVar:

NM_024843.4(CYBRD1):c.765C>T (p.Asn255=)

Gene: CYBRD1 (cytochrome b reductase 1; plus strand). Cytogenetic location: 2q31.1.
Variant type: single nucleotide variant.
Coding change: c.765C>T on transcript NM_024843.4 (MANE Select); coding-DNA position 765, C replaced by T.
Protein change: p.Asn255=; no amino-acid change (asparagine 255 retained).
Molecular consequence: synonymous variant. On other transcripts: 3 prime UTR variant (1).
Genome position (GRCh38, 1-based): chr2:171,554,731, C>T. VCF-style: chr2-171554731-C-T. GRCh37 (hg19) VCF-style: chr2-172411241-C-T.
Other names: c.*82C>T (NM_001127383.2); c.591C>T, p.Asn197= (NM_001256909.2).
Identifiers: ClinVar variation 5040631 (VCV005040631.1).

ClinVar aggregate classification (germline): Likely benign (1 of 4 stars; one submission).

Submission:

CeGaT Center for Human Genetics Tuebingen
Classification: Likely benign. Last evaluated: 2026-08-01. Review status: criteria provided, single submitter. Criteria: CeGaT Center For Human Genetics Tuebingen Variant Classification Criteria Version 2. Collection method: clinical testing. Allele origin: germline. Affected: yes. Observed: 1 variant allele.
Comment: CYBRD1: PM2:Supporting, BP4, BP7